The following is an entry in ClinVar:

NM_003482.4(KMT2D):c.9584T>C (p.Leu3195Pro)

Gene: KMT2D (lysine methyltransferase 2D; minus strand). Cytogenetic location: 12q13.12.
Variant type: single nucleotide variant.
Coding change: c.9584T>C on transcript NM_003482.4 (MANE Select); coding-DNA position 9584, T replaced by C.
Protein change: p.Leu3195Pro; replaces leucine 3195 with proline.
Molecular consequence: missense variant.
Genome position (GRCh38, 1-based): chr12:49,037,772, A>G on the plus strand (T>C on the coding strand, the complement: KMT2D is on the minus strand). VCF-style: chr12-49037772-A-G. GRCh37 (hg19) VCF-style: chr12-49431555-A-G.
Other names: short protein forms L3195P.
Identifiers: ClinVar variation 1396120 (VCV001396120.9), dbSNP rs907399729, ClinGen allele CA236644424.

ClinVar aggregate classification (germline): Uncertain significance (1 of 4 stars; one submission).

Conditions:
Kabuki syndrome. Also called: NIIKAWA-KUROKI SYNDROME; Kabuki make-up syndrome. Identifiers: Orphanet 2322, MedGen C0796004, MONDO:0016512.

Allele frequency attached by ClinVar (database versions not stated): gnomAD exomes below 0.00001; gnomAD 0.00001; TOPMed 0.00001.
gnomAD v4.1: 4 of 1,594,944 alleles (0.00025%); highest among the groups gnomAD compares: Non-Finnish European, 0.00034%; no homozygotes.

Submission:

Labcorp Genetics (formerly Invitae), Labcorp
Classification: Uncertain significance for Kabuki syndrome. Last evaluated: 2023-06-15. Review status: criteria provided, single submitter. Criteria: Invitae Variant Classification Sherloc (09022015). Collection method: clinical testing. Allele origin: germline.
Comment: In summary, the available evidence is currently insufficient to determine the role of this variant in disease. Therefore, it has been classified as a Variant of Uncertain Significance. This sequence change replaces leucine, which is neutral and non-polar, with proline, which is neutral and non-polar, at codon 3195 of the KMT2D protein (p.Leu3195Pro). This variant is not present in population databases (gnomAD no frequency). This variant has not been reported in the literature in individuals affected with KMT2D-related conditions. ClinVar contains an entry for this variant (Variation ID: 1396120). Advanced modeling of protein sequence and biophysical properties (such as structural, functional, and spatial information, amino acid conservation, physicochemical variation, residue mobility, and thermodynamic stability) has been performed at Invitae for this missense variant, however the output from this modeling did not meet the statistical confidence thresholds required to predict the impact of this variant on KMT2D protein function.